The following is an entry in ClinVar:

NM_006231.4(POLE):c.191_193dup (p.Ile64_Asn65insIle)

Gene: POLE (DNA polymerase epsilon, catalytic subunit; minus strand). Cytogenetic location: 12q24.33.
Variant type: Duplication.
Coding change: c.191_193dup on transcript NM_006231.4 (MANE Select); coding-DNA positions 191 to 193, 3 bases duplicated (TTA; older notation c.191_193dupTTA).
Protein change: p.Ile64_Asn65insIle.
Genome position (GRCh38, 1-based): chr12:132,681,149-132,681,151, TAA duplicated on the plus strand (TTA on the coding strand, the reverse complement: POLE is on the minus strand); duplicating any 3 consecutive bases within chr12:132,681,149-132,681,152 gives the same sequence; the c. name uses the placement nearest the transcript's 3' end. VCF-style (leftmost placement, unchanged base first): chr12-132681148-T-TTAA. GRCh37 (hg19) VCF-style: chr12-133257734-T-TTAA.
Identifiers: ClinVar variation 3722790 (VCV003722790.2).

ClinVar aggregate classification (germline): Uncertain significance (1 of 4 stars; one submission).

Submission:

Labcorp Genetics (formerly Invitae), Labcorp
Classification: Uncertain significance. Last evaluated: 2024-12-05. Review status: criteria provided, single submitter. Criteria: Invitae Variant Classification Sherloc (09022015). Collection method: clinical testing. Allele origin: germline.
Comment: This variant, c.191_193dup, results in the insertion of 1 amino acid(s) of the POLE protein (p.Ile64dup), but otherwise preserves the integrity of the reading frame. This variant is not present in population databases (gnomAD no frequency). This variant has not been reported in the literature in individuals affected with POLE-related conditions. Algorithms developed to predict the effect of sequence changes on RNA splicing suggest that this variant may disrupt the consensus splice site. In summary, the available evidence is currently insufficient to determine the role of this variant in disease. Therefore, it has been classified as a Variant of Uncertain Significance.